The following is an entry in ClinVar:

NM_001267550.2(TTN):c.2203T>C (p.Tyr735His)

Gene: TTN (titin; minus strand). Cytogenetic location: 2q31.2.
Variant type: single nucleotide variant.
Coding change: c.2203T>C on transcript NM_001267550.2 (MANE Select); coding-DNA position 2203, T replaced by C.
Protein change: p.Tyr735His; replaces tyrosine 735 with histidine.
Molecular consequence: missense variant.
Genome position (GRCh38, 1-based): chr2:178,786,015, A>G on the plus strand (T>C on the coding strand, the complement: TTN is on the minus strand). VCF-style: chr2-178786015-A-G. GRCh37 (hg19) VCF-style: chr2-179650742-A-G.
Other names: c.2203T>C, p.Tyr735His (NM_001256850.1, NM_133379.5, NM_133378.4); c.2065T>C, p.Tyr689His (NM_003319.4, NM_133432.3, NM_133437.4); short protein forms Y735H, Y689H.
Identifiers: ClinVar variation 285432 (VCV000285432.13), dbSNP rs754432983, ClinGen allele CA2005878.
Genomic context (GRCh38, chr2:178,786,015, plus strand): 5'-AGGCTGGACGTTGGGGAGGCTCAGCTACCTTTGCGGCGGAAATGCGTTCCTTATATCCGT[A>G]CTCCAAAGTGGTCTGCTGAGCATAGGATTCTTCAAGATGCCCAGGCTCTCTGGGCTCTCT-3'
Protein context (NP_001254479.2, residues 725-745): ESYAQQTTLE[Tyr735His]GYKERISAAK

ClinVar aggregate classification (germline): Uncertain significance. Review status: criteria provided, multiple submitters, no conflicts (2 of 4 stars). 5 submissions from 5 submitters: Uncertain significance (5). Last evaluated 2024-12-26.

Conditions:
Cardiovascular phenotype. Identifiers: MedGen CN230736.
Autosomal recessive limb-girdle muscular dystrophy type 2J (LGMDR10). Also called: Limb-girdle muscular dystrophy, type 2J; MUSCULAR DYSTROPHY, LIMB-GIRDLE, AUTOSOMAL RECESSIVE 10. Identifiers: Orphanet 140922, MedGen C1837342, MONDO:0012127, OMIM 608807.
Dilated cardiomyopathy 1G (CMD1G). Identifiers: Orphanet 154, MedGen C1858763, MONDO:0011400, OMIM 604145.

Allele frequency attached by ClinVar (database versions not stated): gnomAD 0.00001; TOPMed 0.00001; ExAC 0.00002; gnomAD exomes 0.00002.
gnomAD v4.1: 23 of 1,613,852 alleles (0.0014%); highest among the groups gnomAD compares: Non-Finnish European, 0.0019%; no homozygotes.

Submissions (5):

Revvity Omics, Revvity
Classification: Uncertain significance. Last evaluated: 2024-12-26. Review status: criteria provided, single submitter. Criteria: ACMG Guidelines, 2015. Collection method: clinical testing. Allele origin: germline.

Ambry Genetics
Classification: Uncertain significance for Cardiovascular phenotype. Last evaluated: 2020-02-21. Review status: criteria provided, single submitter. Criteria: Ambry Variant Classification Scheme 2023. Collection method: clinical testing. Allele origin: germline.
Comment: The p.Y689H variant (also known as c.2065T>C), located in coding exon 12 of the TTN gene, results from a T to C substitution at nucleotide position 2065. The tyrosine at codon 689 is replaced by histidine, an amino acid with similar properties. This amino acid position is well conserved in available vertebrate species. In addition, the in silico prediction for this alteration is inconclusive. Since supporting evidence is limited at this time, the clinical significance of this alteration remains unclear.

Women's Health and Genetics/Laboratory Corporation of America, LabCorp
Classification: Uncertain significance. Last evaluated: 2019-11-05. Review status: criteria provided, single submitter. Criteria: LabCorp Variant Classification Summary - May 2015. Collection method: clinical testing. Allele origin: germline.
Comment: Variant summary: TTN c.2203T>C (p.Tyr735His) results in a conservative amino acid change located in the Z-disk region of the encoded protein sequence. Three of five in-silico tools predict a benign effect of the variant on protein function. The variant allele was found at a frequency of 2e-05 in 250954 control chromosomes. The available data on variant occurrences in the general population are insufficient to allow any conclusion about variant significance. To our knowledge, no occurrence of c.2203T>C in individuals affected with Cardiomyopathy and no experimental evidence demonstrating its impact on protein function have been reported. Two clinical diagnostic laboratories have submitted clinical-significance assessments for this variant to ClinVar after 2014 without evidence for independent evaluation. All laboratories classified the variant as uncertain significance. Based on the evidence outlined above, the variant was classified as uncertain significance.

Eurofins Ntd Llc (ga)
Classification: Uncertain significance. Last evaluated: 2017-11-06. Review status: criteria provided, single submitter. Criteria: EGL Classification Definitions 2015. Collection method: clinical testing. Allele origin: germline. Observed: 3 variant alleles, 3 heterozygotes.

Labcorp Genetics (formerly Invitae), Labcorp
Classification: Uncertain significance for Dilated cardiomyopathy 1G; Autosomal recessive limb-girdle muscular dystrophy type 2J. Last evaluated: 2017-10-16. Review status: criteria provided, single submitter. Criteria: Invitae Variant Classification Sherloc (09022015). Collection method: clinical testing. Allele origin: germline.